The following is an entry in ClinVar:

ClinVar aggregate classification (germline): Likely pathogenic (1 of 4 stars; one submission).

Conditions:
Hearing impairment. Also called: Impaired Hearing. Identifiers: MedGen C1384666, MONDO:0005365, HP:0000365.

Allele frequency attached by ClinVar (database versions not stated): gnomAD exomes 0.00002 and 0.00003; TOPMed 0.00005; gnomAD 0.00011 and 0.00012; ExAC 0.00002.
gnomAD v4.1: 44 of 1,612,808 alleles (0.0027%); highest among the groups gnomAD compares: African/African-American, 0.029%; no homozygotes.

Submission:

Department of Otolaryngology – Head & Neck Surgery, Cochlear Implant Center
Classification: Likely pathogenic for Hearing impairment. Last evaluated: 2021-04-12. Review status: criteria provided, single submitter. Criteria: ClinGen HL ACMG Specifications v1. Collection method: clinical testing. Allele origin: germline. Affected: yes.
Comment: PS1_Strong, PM2_Moderate, PM5_Moderate, PP3_Supporting

NM_012188.5(FOXI1):c.92A>G (p.Tyr31Cys)

Gene: FOXI1 (forkhead box I1; plus strand). Cytogenetic location: 5q35.1.
Variant type: single nucleotide variant.
Coding change: c.92A>G on transcript NM_012188.5 (MANE Select); coding-DNA position 92, A replaced by G.
Protein change: p.Tyr31Cys; replaces tyrosine 31 with cysteine.
Molecular consequence: missense variant.
Genome position (GRCh38, 1-based): chr5:170,106,049, A>G. VCF-style: chr5-170106049-A-G. GRCh37 (hg19) VCF-style: chr5-169533053-A-G.
Other names: c.92A>G, p.Tyr31Cys (NM_144769.4); short protein forms Y31C.
Identifiers: ClinVar variation 1064953 (VCV001064953.3), dbSNP rs777573595, ClinGen allele CA3554954.